The following is an entry in ClinVar:

NM_000996.4(RPL35A):c.34G>A (p.Ala12Thr)

Genes: DRC9 (dynein regulatory complex subunit 9; minus strand), RPL35A (ribosomal protein L35a; plus strand). Cytogenetic location: 3q29.
Variant type: single nucleotide variant.
Coding change: c.34G>A on transcript NM_000996.4 (MANE Select); coding-DNA position 34, G replaced by A.
Protein change: p.Ala12Thr; replaces alanine 12 with threonine.
Molecular consequence: missense variant. On other transcripts: intron variant (3).
Genome position (GRCh38, 1-based): chr3:197,951,181, G>A. VCF-style: chr3-197951181-G-A. GRCh37 (hg19) VCF-style: chr3-197678052-G-A.
Other names: c.34G>A, p.Ala12Thr (NM_001316311.2); c.-49-7130C>T (NM_001323028.2); c.-59-5495C>T (NM_032263.5); c.-374-5495C>T (NM_001323029.2); short protein forms A12T.
Identifiers: ClinVar variation 942903 (VCV000942903.11), dbSNP rs533670667, ClinGen allele CA2789162.

ClinVar aggregate classification (germline): Uncertain significance. Review status: criteria provided, multiple submitters, no conflicts (2 of 4 stars). 3 submissions from 3 submitters: Uncertain significance (3). Last evaluated 2025-07-29.

Conditions:
Diamond-Blackfan anemia 5 (DBA5). Also called: RPL35A-Related Diamond-Blackfan Anemia. Identifiers: Orphanet 124, MedGen C2675859, MONDO:0012925, OMIM 612528.

Allele frequency attached by ClinVar (database versions not stated): gnomAD exomes 0.00003 and 0.00007; gnomAD 0.00006 and 0.00008; TOPMed 0.00007; ExAC 0.00008; 1000 Genomes Project 30x 0.00016; 1000 Genomes Project 0.00020.
gnomAD v4.1: 64 of 1,614,108 alleles (0.004%); highest among the groups gnomAD compares: East Asian, 0.045%; no homozygotes.

Submissions (3):

Labcorp Genetics (formerly Invitae), Labcorp
Classification: Uncertain significance for Diamond-Blackfan anemia 5. Last evaluated: 2025-07-29. Review status: criteria provided, single submitter. Criteria: Invitae Variant Classification Sherloc (09022015). Collection method: clinical testing. Allele origin: germline.
Comment: This sequence change replaces alanine, which is neutral and non-polar, with threonine, which is neutral and polar, at codon 12 of the RPL35A protein (p.Ala12Thr). This variant is present in population databases (rs533670667, gnomAD 0.04%), and has an allele count higher than expected for a pathogenic variant. This variant has not been reported in the literature in individuals affected with RPL35A-related conditions. ClinVar contains an entry for this variant (Variation ID: 942903). An algorithm developed to predict the effect of missense changes on protein structure and function (PolyPhen-2) suggests that this variant is likely to be tolerated. In summary, the available evidence is currently insufficient to determine the role of this variant in disease. Therefore, it has been classified as a Variant of Uncertain Significance.

Fulgent Genetics
Classification: Uncertain significance for Diamond-Blackfan anemia 5. Last evaluated: 2024-05-21. Review status: criteria provided, single submitter. Criteria: ACMG Guidelines, 2015. Collection method: clinical testing. Allele origin: germline.

Revvity Omics, Revvity
Classification: Uncertain significance for Diamond-Blackfan anemia 5. Last evaluated: 2022-03-10. Review status: criteria provided, single submitter. Criteria: ACMG Guidelines, 2015. Collection method: clinical testing. Allele origin: germline.